The following is an entry in ClinVar:

ClinVar aggregate classification (germline): Uncertain significance. Review status: criteria provided, multiple submitters, no conflicts (2 of 4 stars). 2 submissions from 2 submitters: Uncertain significance (2). Last evaluated 2026-07-19.

Conditions:
Inborn genetic diseases. Identifiers: MedGen C0950123, MeSH D030342.
Neurodevelopmental disorder with dysmorphic facies and distal limb anomalies. Identifiers: Orphanet 686482, MedGen C4540327, MONDO:0060596, OMIM 617755.

gnomAD v4.1: 5 of 1,614,070 alleles (0.00031%); highest among the groups gnomAD compares: African/African-American, 0.004%; no homozygotes.

Submissions (2):

Ambry Genetics
Classification: Uncertain significance for Inborn genetic diseases. Last evaluated: 2026-07-19. Review status: criteria provided, single submitter. Criteria: Ambry Variant Classification Scheme 2023. Collection method: clinical testing. Allele origin: germline.
Comment: The c.7792A>T (p.S2598C) alteration is located in exon 23 (coding exon 23) of the BPTF gene. This alteration results from a A to T substitution at nucleotide position 7792, causing the serine (S) at amino acid position 2598 to be replaced by a cysteine (C). Based on data from gnomAD, the T allele has an overall frequency of <0.001% (1/251366) total alleles studied. The highest observed frequency was <0.001% (/) of alleles. Based on insufficient or conflicting evidence, the clinical significance of this alteration remains unclear.

Dasa
Classification: Uncertain significance for Neurodevelopmental disorder with dysmorphic facies and distal limb anomalies. Last evaluated: 2026-01-11. Review status: criteria provided, single submitter. Criteria: DASA Assertion Criteria. Collection method: clinical testing. Allele origin: germline.
Comment: NM_182641.4(BPTF):c.7792A>T (p.Ser2598Cys) is a missense variant that results in the substitution of serine with cysteine. This variant is rare in population databases. The currently available literature and clinical evidence are not sufficient to establish a definitive association between this variant and the reported condition. Therefore, this variant is classified as a variant of uncertain significance.

NM_182641.4(BPTF):c.7792A>T (p.Ser2598Cys)

Gene: BPTF (bromodomain PHD finger transcription factor; plus strand). Cytogenetic location: 17q24.2.
Variant type: single nucleotide variant.
Coding change: c.7792A>T on transcript NM_182641.4 (MANE Select); coding-DNA position 7792, A replaced by T.
Protein change: p.Ser2598Cys; replaces serine 2598 with cysteine.
Molecular consequence: missense variant.
Genome position (GRCh38, 1-based): chr17:67,948,172, A>T. VCF-style: chr17-67948172-A-T. GRCh37 (hg19) VCF-style: chr17-65944288-A-T.
Other names: c.7741A>T, p.Ser2581Cys (NM_004459.7); short protein forms S2581C, S2598C.
Identifiers: ClinVar variation 3261405 (VCV003261405.4).